The following is an entry in ClinVar:

NM_000642.3(AGL):c.4282T>C (p.Tyr1428His)

Gene: AGL (amylo-alpha-1,6-glucosidase and 4-alpha-glucanotransferase; plus strand). Cytogenetic location: 1p21.2.
Variant type: single nucleotide variant.
Coding change: c.4282T>C on transcript NM_000642.3 (MANE Select); coding-DNA position 4282, T replaced by C.
Protein change: p.Tyr1428His; replaces tyrosine 1428 with histidine.
Molecular consequence: missense variant.
Genome position (GRCh38, 1-based): chr1:99,916,432, T>C. VCF-style: chr1-99916432-T-C. GRCh37 (hg19) VCF-style: chr1-100381988-T-C.
Other names: c.4282T>C, p.Tyr1428His (NM_000028.3, NM_000643.3, NM_000644.3 and 1 more transcripts); c.4234T>C, p.Tyr1412His (NM_000646.3); c.4261T>C, p.Tyr1421His (NM_001425326.1); c.4081T>C, p.Tyr1361His (NM_001425327.1); c.4078T>C, p.Tyr1360His (NM_001425328.1); c.3943T>C, p.Tyr1315His (NM_001425329.1); c.3904T>C, p.Tyr1302His (NM_001425332.1); short protein forms Y1428H, Y1412H, Y1302H, Y1315H, Y1360H, Y1361H, Y1421H.
Identifiers: ClinVar variation 2062270 (VCV002062270.5), dbSNP rs746588425, ClinGen allele CA967388.

ClinVar aggregate classification (germline): Uncertain significance. Review status: criteria provided, multiple submitters, no conflicts (2 of 4 stars). 3 submissions from 3 submitters: Uncertain significance (3). Last evaluated 2025-05-19.

Conditions:
Inborn genetic diseases. Identifiers: MedGen C0950123, MeSH D030342.
Glycogen storage disease type III (GSD3). Also called: Cori disease; FORBES DISEASE. Identifiers: Orphanet 366, MedGen C0017922, MONDO:0009291, OMIM 232400.

Allele frequency attached by ClinVar (database versions not stated): TOPMed 0.00001; ExAC 0.00003.
gnomAD v4.1: 4 of 1,611,786 alleles (0.00025%); highest among the groups gnomAD compares: East Asian, 0.0067%; no homozygotes.

Submissions (3):

Ambry Genetics
Classification: Uncertain significance for Inborn genetic diseases. Last evaluated: 2025-05-19. Review status: criteria provided, single submitter. Criteria: Ambry Variant Classification Scheme 2023. Collection method: clinical testing. Allele origin: germline.

Genome-Nilou Lab
Classification: Uncertain significance for Glycogen storage disease type III. Last evaluated: 2023-04-11. Review status: criteria provided, single submitter. Criteria: ACMG Guidelines, 2015. Collection method: clinical testing. Allele origin: germline. Affected: no.

Labcorp Genetics (formerly Invitae), Labcorp
Classification: Uncertain significance for Glycogen storage disease type III. Last evaluated: 2022-07-04. Review status: criteria provided, single submitter. Criteria: Invitae Variant Classification Sherloc (09022015). Collection method: clinical testing. Allele origin: germline.
Comment: This sequence change replaces tyrosine, which is neutral and polar, with histidine, which is basic and polar, at codon 1428 of the AGL protein (p.Tyr1428His). This variant is present in population databases (rs746588425, gnomAD 0.02%). This variant has not been reported in the literature in individuals affected with AGL-related conditions. Algorithms developed to predict the effect of missense changes on protein structure and function (SIFT, PolyPhen-2, Align-GVGD) all suggest that this variant is likely to be disruptive. In summary, the available evidence is currently insufficient to determine the role of this variant in disease. Therefore, it has been classified as a Variant of Uncertain Significance.